The following is an entry in ClinVar:

NM_019066.5(MAGEL2):c.2818C>A (p.Pro940Thr)

Gene: MAGEL2 (MAGE family member L2; minus strand). Cytogenetic location: 15q11.2.
Variant type: single nucleotide variant.
Coding change: c.2818C>A on transcript NM_019066.5 (MANE Select); coding-DNA position 2818, C replaced by A.
Protein change: p.Pro940Thr; replaces proline 940 with threonine.
Molecular consequence: missense variant.
Genome position (GRCh38, 1-based): chr15:23,644,925, G>T on the plus strand (C>A on the coding strand, the complement: MAGEL2 is on the minus strand). VCF-style: chr15-23644925-G-T. GRCh37 (hg19) VCF-style: chr15-23890072-G-T.
Other names: short protein forms P940T.
Identifiers: ClinVar variation 2979397 (VCV002979397.3), dbSNP rs763578669, ClinGen allele CA391327331.
Genomic context (GRCh38, chr15:23,644,925, plus strand): 5'-CTTCCCAGCCACTCAGGATCCTGGAGGTGCTAGGGCCCTCCCAACCACTCAGGCCACGGG[G>T]GGTGTTTGGGTGCTCCCAGTCACCCGAGACCTGGATAGGGCTTTGGACCTCCCAGTCACT-3'
Protein context (NP_061939.3, residues 930-950): VSGDWEHPNT[Pro940Thr]RGLSGWEGPS

ClinVar aggregate classification (germline): Uncertain significance (1 of 4 stars; one submission).

gnomAD v4.1: 5 of 1,613,500 alleles (0.00031%); highest among the groups gnomAD compares: East Asian, 0.0045%; no homozygotes.

Submission:

Labcorp Genetics (formerly Invitae), Labcorp
Classification: Uncertain significance. Last evaluated: 2023-02-21. Review status: criteria provided, single submitter. Criteria: Invitae Variant Classification Sherloc (09022015). Collection method: clinical testing. Allele origin: germline.
Comment: This variant has not been reported in the literature in individuals affected with MAGEL2-related conditions. In summary, the available evidence is currently insufficient to determine the role of this variant in disease. Therefore, it has been classified as a Variant of Uncertain Significance. Advanced modeling of protein sequence and biophysical properties (such as structural, functional, and spatial information, amino acid conservation, physicochemical variation, residue mobility, and thermodynamic stability) performed at Invitae indicates that this missense variant is not expected to disrupt MAGEL2 protein function. This variant is not present in population databases (gnomAD no frequency). This sequence change replaces proline, which is neutral and non-polar, with threonine, which is neutral and polar, at codon 940 of the MAGEL2 protein (p.Pro940Thr).